The following is an entry in ClinVar:

ClinVar aggregate classification (germline): Conflicting classifications of pathogenicity. Review status: criteria provided, conflicting classifications (1 of 4 stars). 4 submissions from 4 submitters: Uncertain significance (1); Likely benign (2). 1 of the submissions does not count toward it. Last evaluated 2026-04-01.

Conditions:
DEAF1-related disorder.

Submissions (4):

CeGaT Center for Human Genetics Tuebingen
Classification: Likely benign. Last evaluated: 2026-04-01. Review status: criteria provided, single submitter. Criteria: CeGaT Center For Human Genetics Tuebingen Variant Classification Criteria Version 2. Collection method: clinical testing. Allele origin: germline. Affected: yes. Observed: 3 variant alleles.
Comment: DEAF1: BS2

Blueprint Genetics
Classification: Likely benign. Last evaluated: 2024-10-31. Review status: criteria provided, single submitter. Criteria: ACMG Guidelines, 2015. Collection method: clinical testing. Allele origin: germline.

Labcorp Genetics (formerly Invitae), Labcorp
Classification: Uncertain significance. Last evaluated: 2021-06-20. Review status: criteria provided, single submitter. Criteria: Invitae Variant Classification Sherloc (09022015). Collection method: clinical testing. Allele origin: germline.
Comment: This variant, c.60_86del, results in the deletion of 9 amino acid(s) of the DEAF1 protein (p.Val25_Ala33del), but otherwise preserves the integrity of the reading frame. The frequency data for this variant in the population databases is considered unreliable, as metrics indicate poor data quality at this position in the ExAC database. This variant has not been reported in the literature in individuals with DEAF1-related conditions. Experimental studies and prediction algorithms are not available or were not evaluated, and the functional significance of this variant is currently unknown. In summary, the available evidence is currently insufficient to determine the role of this variant in disease. Therefore, it has been classified as a Variant of Uncertain Significance.

PreventionGenetics, part of Exact Sciences
Classification: Likely benign for DEAF1-related condition. Last evaluated: 2024-02-06. Review status: no assertion criteria provided. Collection method: clinical testing. Allele origin: germline. Not counted in ClinVar's aggregate classification.
Comment: This variant is classified as likely benign based on ACMG/AMP sequence variant interpretation guidelines (Richards et al. 2015 PMID: 25741868, with internal and published modifications).

NM_021008.4(DEAF1):c.60_86del (p.Val25_Ala33del)

Gene: DEAF1 (DEAF1 transcription factor; minus strand). Cytogenetic location: 11p15.5.
Variant type: Deletion.
Coding change: c.60_86del on transcript NM_021008.4 (MANE Select); coding-DNA positions 60 to 86, 27 bases deleted (GGCCGCGGCCGCTGTGGCGGCGGCGGC).
Protein change: p.Val25_Ala33del.
Molecular consequence: inframe deletion. On other transcripts: inframe indel (1), intron variant (1).
Genome position (GRCh38, 1-based): chr11:694,962-694,988, GCCGCCGCCGCCACAGCGGCCGCGGCC deleted on the plus strand (GGCCGCGGCCGCTGTGGCGGCGGCGGC on the coding strand, the reverse complement: DEAF1 is on the minus strand); deleting any 27 consecutive bases within chr11:694,962-694,991 gives the same sequence; the c. name uses the placement nearest the transcript's 3' end. VCF-style (leftmost placement, unchanged base first): chr11-694961-GGCCGCCGCCGCCACAGCGGCCGCGGCC-G. GRCh37 (hg19) VCF-style: chr11-694961-GGCCGCCGCCGCCACAGCGGCCGCGGCC-G.
Other names: c.57_83del27, p.Val25_Ala33del (NM_001293634.2); c.-437-3390_-437-3364del (NM_001367390.1).
Identifiers: ClinVar variation 1675440 (VCV001675440.40), dbSNP rs769664625, ClinGen allele CA5786670.
Genomic context (GRCh38, chr11:694,961, plus strand): 5'-CTCCGAGTCCTCGTCCCTGCTCAGCACCGGCTCCTCCGCCTCGCCTCCTGCCGCGGCCGC[GGCCGCCGCCGCCACAGCGGCCGCGGCC>G]GCCACCGCCGCCGCCTCAGCCAGGCCCAGCTGCTTTGCCGCCGAGTCCGAGTCCTCCATC-3'